The following is an entry in ClinVar:

ClinVar aggregate classification (germline): Pathogenic (1 of 4 stars; one submission).

Submission:

Labcorp Genetics (formerly Invitae), Labcorp
Classification: Pathogenic. Last evaluated: 2023-04-29. Review status: criteria provided, single submitter. Criteria: Invitae Variant Classification Sherloc (09022015). Collection method: clinical testing. Allele origin: germline.
Comment: Advanced modeling of protein sequence and biophysical properties (such as structural, functional, and spatial information, amino acid conservation, physicochemical variation, residue mobility, and thermodynamic stability) performed at Invitae indicates that this missense variant is expected to disrupt OCA2 protein function. This missense change has been observed in individual(s) with oculocutaneous albinism (Invitae). In at least one individual the data is consistent with being in trans (on the opposite chromosome) from a pathogenic variant. This variant is not present in population databases (gnomAD no frequency). This sequence change replaces leucine, which is neutral and non-polar, with proline, which is neutral and non-polar, at codon 460 of the OCA2 protein (p.Leu460Pro). This variant disrupts the p.Leu460 amino acid residue in OCA2. Other variant(s) that disrupt this residue have been determined to be pathogenic (PMID: 27734839, 29345414). This suggests that this residue is clinically significant, and that variants that disrupt this residue are likely to be disease-causing. For these reasons, this variant has been classified as Pathogenic.

Literature cited by the submitters: PubMed 27734839; PubMed 29345414.

NM_000275.3(OCA2):c.1379T>C (p.Leu460Pro)

Gene: OCA2 (OCA2 melanosomal transmembrane protein; minus strand). Cytogenetic location: 15q13.1.
Variant type: single nucleotide variant.
Coding change: c.1379T>C on transcript NM_000275.3 (MANE Select); coding-DNA position 1379, T replaced by C.
Protein change: p.Leu460Pro; replaces leucine 460 with proline.
Molecular consequence: missense variant.
Genome position (GRCh38, 1-based): chr15:27,983,469, A>G on the plus strand (T>C on the coding strand, the complement: OCA2 is on the minus strand). VCF-style: chr15-27983469-A-G. GRCh37 (hg19) VCF-style: chr15-28228615-A-G.
Other names: c.1307T>C, p.Leu436Pro (NM_001300984.2); short protein forms L436P, L460P.
Identifiers: ClinVar variation 2877125 (VCV002877125.3), dbSNP rs779636188, ClinGen allele CA391359813.